The following is an entry in ClinVar:

ClinVar aggregate classification (germline): Pathogenic/Likely pathogenic. Review status: criteria provided, multiple submitters, no conflicts (2 of 4 stars). 6 submissions from 6 submitters: Pathogenic (2); Likely pathogenic (4). Last evaluated 2026-02-11.

Conditions:
RARS2-related disorder. Also called: RARS2-related condition.
Pontoneocerebellar hypoplasia. Also called: Pontocerebellar hypoplasia; Non-syndromic pontocerebellar hypoplasia. Identifiers: Orphanet 98523, MedGen C1261175, MONDO:0020135.
Pontocerebellar hypoplasia type 6 (PCH6). Identifiers: Orphanet 166073, MedGen C1969084, MONDO:0012683, OMIM 611523.

Submissions (6):

Women's Health and Genetics/Laboratory Corporation of America, LabCorp
Classification: Pathogenic for Pontoneocerebellar hypoplasia. Last evaluated: 2026-02-11. Review status: criteria provided, single submitter. Criteria: LabCorp Variant Classification Summary - May 2015. Collection method: clinical testing. Allele origin: germline.
Comment: Variant summary: RARS2 c.1554delC (p.Arg519GlyfsX8) results in a premature termination codon, predicted to cause a truncation of the encoded protein or absence of the protein due to nonsense mediated decay, which are commonly known mechanisms for disease. The variant allele was found at a frequency of 4e-05 in 251340 control chromosomes. This frequency is not significantly higher than estimated for disease-causing variants in RARS2, allowing no conclusion about variant significance. To our knowledge, no occurrence of c.1554delC in individuals affected with RARS2-related conditions and no experimental evidence demonstrating its impact on protein function have been reported. ClinVar contains an entry for this variant (Variation ID: 1032075). Based on the evidence outlined above, the variant was classified as pathogenic.

Labcorp Genetics (formerly Invitae), Labcorp
Classification: Pathogenic. Last evaluated: 2026-01-16. Review status: criteria provided, single submitter. Criteria: Invitae Variant Classification Sherloc (09022015). Collection method: clinical testing. Allele origin: germline.
Comment: This sequence change creates a premature translational stop signal (p.Arg519Glyfs*8) in the RARS2 gene. It is expected to result in an absent or disrupted protein product. Loss-of-function variants in RARS2 are known to be pathogenic (PMID: 17847012, 22569581, 26083569). This variant is present in population databases (rs754610170, gnomAD 0.009%). This variant has not been reported in the literature in individuals affected with RARS2-related conditions. ClinVar contains an entry for this variant (Variation ID: 1032075). For these reasons, this variant has been classified as Pathogenic.

PreventionGenetics, part of Exact Sciences
Classification: Likely pathogenic for RARS2-related condition. Last evaluated: 2026-01-15. Review status: criteria provided, single submitter. Criteria: ACMG Guidelines, 2015. Collection method: clinical testing. Allele origin: germline.
Comment: The RARS2 c.1554delC variant is predicted to result in a frameshift and premature protein termination (p.Arg519Glyfs*8). To our knowledge, this variant has not been reported in individuals with pontocerebellar hypoplasia. This variant is reported in 0.0085% of alleles in individuals of European (Non-Finnish) descent in gnomAD. Frameshift variants in RARS2 are expected to be pathogenic. This variant is interpreted as likely pathogenic.

Natera, Inc.
Classification: Likely pathogenic for Pontocerebellar hypoplasia, type 6. Last evaluated: 2025-08-21. Review status: criteria provided, single submitter. Criteria: Natera Variant Classification Schema (03/2026). Collection method: clinical testing. Allele origin: germline.
Comment: The c.1554delC variant in RARS2 is a frameshift variant predicted to shift the reading frame beginning at codon 519 and leads to a stop codon 8 codons downstream. This variant is expected to result in nonsense mediated decay, truncation, or a dysfunctional protein product. This variant is rare in the general population with a frequency below the threshold expected for the associated phenotype(s). Given the available evidence, this variant is classified as Likely Pathogenic.

Baylor Genetics
Classification: Likely pathogenic for Pontocerebellar hypoplasia type 6. Last evaluated: 2024-02-16. Review status: criteria provided, single submitter. Criteria: ACMG Guidelines, 2015. Collection method: clinical testing. Allele origin: unknown.

Fulgent Genetics
Classification: Likely pathogenic for Pontocerebellar hypoplasia type 6. Last evaluated: 2022-02-01. Review status: criteria provided, single submitter. Criteria: ACMG Guidelines, 2015. Collection method: clinical testing. Allele origin: unknown.

Literature cited by the submitters: PubMed 17847012 (cited by Labcorp Genetics (formerly Invitae), Labcorp); PubMed 22569581 (cited by Labcorp Genetics (formerly Invitae), Labcorp); PubMed 26083569 (cited by Labcorp Genetics (formerly Invitae), Labcorp).

NM_020320.5(RARS2):c.1554del (p.Arg519fs)

Gene: RARS2 (arginyl-tRNA synthetase 2, mitochondrial; minus strand). Cytogenetic location: 6q15.
Variant type: Deletion.
Coding change: c.1554del on transcript NM_020320.5 (MANE Select); coding-DNA position 1554, one base deleted (C; older notation c.1554delC).
Protein change: p.Arg519fs; shifts the reading frame from arginine 519.
Molecular consequence: frameshift variant. On other transcripts: non-coding transcript variant (23).
Genome position (GRCh38, 1-based): chr6:87,516,838, G deleted on the plus strand (C on the coding strand, the reverse complement: RARS2 is on the minus strand); the first of 3 consecutive G bases (chr6:87,516,838-87,516,840); deleting any one gives the same sequence. VCF-style (leftmost placement, unchanged base first): chr6-87516837-TG-T. GRCh37 (hg19) VCF-style: chr6-88226555-TG-T.
Other names: c.1029del, p.Arg344fs (NM_001318785.2, NM_001350506.2, NM_001350507.2 and 4 more transcripts); c.1554del, p.Arg519fs (NM_001350505.2); c.1554delC (NM_020320.5, NM_020320.4); short protein forms R344fs, R519fs.
Identifiers: ClinVar variation 1032075 (VCV001032075.13), dbSNP rs754610170, ClinGen allele CA3916225.